The following is an entry in ClinVar:

NM_000257.4(MYH7):c.5588G>A (p.Arg1863Gln)

Gene: MYH7 (myosin heavy chain 7; minus strand). Cytogenetic location: 14q11.2.
Variant type: single nucleotide variant.
Coding change: c.5588G>A on transcript NM_000257.4 (MANE Select); coding-DNA position 5588, G replaced by A.
Protein change: p.Arg1863Gln; replaces arginine 1863 with glutamine.
Molecular consequence: missense variant.
Genome position (GRCh38, 1-based): chr14:23,414,074, C>T on the plus strand (G>A on the coding strand, the complement: MYH7 is on the minus strand). VCF-style: chr14-23414074-C-T. GRCh37 (hg19) VCF-style: chr14-23883283-C-T.
Other names: NM_000257.3(MYH7):c.5588G>A; short protein forms R1863Q.
Identifiers: ClinVar variation 43076 (VCV000043076.28), dbSNP rs45520836, ClinGen allele CA016295.

ClinVar aggregate classification (germline): Uncertain significance. Review status: reviewed by expert panel (3 of 4 stars). 9 submissions from 9 submitters: Uncertain significance (1). 8 of the submissions do not count toward it. Last evaluated 2021-03-22.

Conditions:
Dilated cardiomyopathy 1S (CMD1S). Identifiers: Orphanet 154, Orphanet 54260, MedGen C1834481, MONDO:0013262, OMIM 613426.
Hypertrophic cardiomyopathy 1 (CMH1). Also called: Familial hypertrophic cardiomyopathy 1; MYH7-Related Familial Hypertrophic Cardiomyopathy. Identifiers: MedGen C3495498, MONDO:0008647, OMIM 192600.
Myopathy, myosin storage, autosomal recessive (CMYO7B). Also called: CONGENITAL MYOPATHY 7B, MYOSIN STORAGE, AUTOSOMAL RECESSIVE. Identifiers: Orphanet 636970, MedGen C1850709, MONDO:0009708, OMIM 255160.
MYH7-related skeletal myopathy. Also called: Myopathy, distal, 1; Laing distal myopathy; Laing early-onset distal myopathy; MYOPATHY, DISTAL, EARLY-ONSET, AUTOSOMAL DOMINANT; MYOPATHY, LATE DISTAL HEREDITARY. Identifiers: Orphanet 59135, MedGen C4552004, MONDO:0008050, OMIM 160500.
Myosin storage myopathy (CMYO7A). Also called: MYOPATHY, HYALINE BODY, AUTOSOMAL DOMINANT; MYOPATHY WITH LYSIS OF TYPE I MYOFIBRILS; SCAPULOPERONEAL MUSCULAR DYSTROPHY; SCAPULOPERONEAL SYNDROME, MYOPATHIC TYPE; MYH7-related late-onset scapuloperoneal muscular dystrophy; Congenital myopathy 7A, myosin storage, autosomal dominant. Identifiers: Orphanet 437572, Orphanet 636965, MedGen C1842160, MONDO:0008409, OMIM 608358.
Congenital myopathy with fiber type disproportion. Also called: Congenital fiber-type disproportion myopathy; Congenital fiber-type disproportion. Identifiers: Orphanet 2020, MedGen C0546264, MONDO:0009711. Inheritance: all.
Cardiovascular phenotype. Identifiers: MedGen CN230736.
Cardiomyopathy (CMYO). Also called: Cardiomyopathies. Identifiers: Orphanet 167848, MedGen C0878544, MONDO:0004994, HP:0001638. Inheritance: Various modes of inheritance.
Primary dilated cardiomyopathy (DCM). Also called: Dilated Cardiomyopathy. Identifiers: Orphanet 217604, MedGen C0007193, MeSH D002311, MONDO:0005021, HP:0001644. Inheritance: Various modes of inheritance.
Hypertrophic cardiomyopathy. Also called: HYPERTROPHIC MYOCARDIOPATHY. Identifiers: Orphanet 217569, MedGen C0007194, MeSH D002312, MONDO:0005045, HP:0001639.

Allele frequency attached by ClinVar (database versions not stated): TOPMed below 0.00001; ExAC 0.00001; gnomAD 0.00001; ESP Exome Variant Server 0.00008; gnomAD exomes 0.00001.
gnomAD v4.1: 8 of 1,613,618 alleles (0.0005%); highest among the groups gnomAD compares: Admixed American, 0.0017%; no homozygotes.

Submissions (9):

ClinGen Cardiomyopathy Variant Curation Expert Panel
Classification: Uncertain significance for Primary dilated cardiomyopathy. Last evaluated: 2021-03-22. Review status: reviewed by expert panel. Criteria: ClinGen CMP ACMG Specifications v1. Collection method: curation. Allele origin: germline. Inheritance: Autosomal dominant inheritance.
Comment: The c.5588G>A (p.Arg1863Gln) variant in MYH7 has been identified in 1 individual with familial DCM (Hershberger 2008 PMID:19412328) and 7 individuals with DCM from clinical testing laboratories (PS4_Moderate; PMID:19412328; Partners LMM ClinVar SCV000059623.5; Invitae ClinVar SCV000818269.1, pers. comm.; Ambry pers. comm.; CHEO ClinVar SCV000901909.1, pers. comm.; GeneDx ClinVar SCV000208646.4, pers. comm.). This variant was also identified in 0.00027% (FAF 95% CI; 2/129158) of European chromosomes in gnomAD v2.1.1 (PM2). Computational prediction tools and conservation analysis suggest that this variant may impact the protein (PP3). In summary, this variant meets criteria to be classified as uncertain significance for dilated cardiomyopathy in an autosomal dominant manner. MYH7-specific ACMG/AMP criteria applied (Kelly 2018 PMID:29300372): PS4_Moderate, PM2; PP3

Ambry Genetics
Classification: Uncertain significance for Cardiovascular phenotype. Last evaluated: 2026-07-02. Review status: criteria provided, single submitter. Criteria: Ambry Variant Classification Scheme 2023. Collection method: clinical testing. Allele origin: germline. Not counted in ClinVar's aggregate classification.
Comment: The p.R1863Q variant (also known as c.5588G>A), located in coding exon 36 of the MYH7 gene, results from a G to A substitution at nucleotide position 5588. The arginine at codon 1863 is replaced by glutamine, an amino acid with highly similar properties. This variant was reported in multiple individuals with dilated cardiomyopathy (Hershberger RE et al. Clin Transl Sci. 2008;1(1):21-6; Mazzarotto F et al. Circulation, 2020 Feb;141:387-398; Ambry internal data). In addition, this variant was reported in one individual with pediatric hypertrophic cardiomyopathy (Kurzlechner LM et al. J Pers Med, 2022 Apr;12:). This variant was also detected in a cardiomyopathy/arrhythmia genetic testing cohort; however, clinical details were limited, and additional cardiac variants were detected in some cases (van Lint FHM et al. Neth Heart J, 2019 Jun;27:304-309). This amino acid position is highly conserved in available vertebrate species. In addition, the in silico prediction for this alteration is inconclusive. Based on the available evidence, the clinical significance of this variant remains unclear.

Labcorp Genetics (formerly Invitae), Labcorp
Classification: Pathogenic for Hypertrophic cardiomyopathy. Last evaluated: 2025-11-23. Review status: criteria provided, single submitter. Criteria: Invitae Variant Classification Sherloc (09022015). Collection method: clinical testing. Allele origin: germline. Not counted in ClinVar's aggregate classification.
Comment: This sequence change replaces arginine, which is basic and polar, with glutamine, which is neutral and polar, at codon 1863 of the MYH7 protein (p.Arg1863Gln). This variant is present in population databases (rs45520836, gnomAD 0.003%). This missense change has been observed in individuals with autosomal dominant dilated cardiomyopathy (PMID: 19412328; internal data). ClinVar contains an entry for this variant (Variation ID: 43076). Invitae Evidence Modeling of protein sequence and biophysical properties (such as structural, functional, and spatial information, amino acid conservation, physicochemical variation, residue mobility, and thermodynamic stability) indicates that this missense variant is expected to disrupt MYH7 protein function with a positive predictive value of 95%. For these reasons, this variant has been classified as Pathogenic.

Color Diagnostics, LLC DBA Color Health
Classification: Uncertain significance for Cardiomyopathy. Last evaluated: 2025-07-22. Review status: criteria provided, single submitter. Criteria: ACMG Guidelines, 2015. Collection method: clinical testing. Allele origin: germline. Not counted in ClinVar's aggregate classification.
Comment: This missense variant replaces arginine with glutamine at codon 1863 of the MYH7 protein. Computational prediction suggests that this variant may have a deleterious impact on protein structure and function. To our knowledge, functional studies have not been reported for this variant. This variant has been reported in individuals affected with dilated cardiomyopathy (PMID: 19412328, 29300372, 30847666). This variant has been identified in 3/282516 chromosomes in the general population by the Genome Aggregation Database (gnomAD). The available evidence is insufficient to determine the role of this variant in disease conclusively. Therefore, this variant is classified as a Variant of Uncertain Significance.

All of Us Research Program, National Institutes of Health
Classification: Uncertain significance for Cardiomyopathy. Last evaluated: 2024-02-22. Review status: criteria provided, single submitter. Criteria: ACMG Guidelines, 2015. Collection method: clinical testing. Allele origin: germline. Inheritance: Autosomal dominant inheritance. Observed: 6 variant alleles, 6 heterozygotes. Not counted in ClinVar's aggregate classification.
Comment: This missense variant replaces arginine with glutamine at codon 1863 of the MYH7 protein. Computational prediction suggests that this variant may have a deleterious impact on protein structure and function (internally defined REVEL score threshold >= 0.7, PMID: 27666373). To our knowledge, functional studies have not been reported for this variant. This variant has been reported in individuals affected with dilated cardiomyopathy (PMID: 19412328, 29300372, 30847666). This variant has been identified in 3/282516 chromosomes in the general population by the Genome Aggregation Database (gnomAD). The available evidence is insufficient to determine the role of this variant in disease conclusively. Therefore, this variant is classified as a Variant of Uncertain Significance.

This study involves interpretation of variants in research participants for the purpose of population health screening. Participant phenotype was not available at the time of variant classification. Additional details can be found in publication PMID: 35346344, PMCID: PMC8962531

GeneDx
Classification: Uncertain significance. Last evaluated: 2023-10-16. Review status: criteria provided, single submitter. Criteria: GeneDx Variant Classification Process June 2021. Collection method: clinical testing. Allele origin: germline. Affected: yes. Not counted in ClinVar's aggregate classification.
Comment: Not observed at significant frequency in large population cohorts (gnomAD); In silico analysis supports that this missense variant has a deleterious effect on protein structure/function; This variant is associated with the following publications: (PMID: 22337857, 23403236, 23299917, 27576561, 29300372, 32439065, 19412328)

Fulgent Genetics
Classification: Uncertain significance for MYH7-related skeletal myopathy; Myosin storage myopathy; Hypertrophic cardiomyopathy 1; Myopathy, myosin storage, autosomal recessive; Congenital myopathy 4A, autosomal dominant; Dilated cardiomyopathy 1S. Last evaluated: 2021-09-15. Review status: criteria provided, single submitter. Criteria: ACMG Guidelines, 2015. Collection method: clinical testing. Allele origin: unknown. Not counted in ClinVar's aggregate classification.

CHEO Genetics Diagnostic Laboratory, Children's Hospital of Eastern Ontario
Classification: Uncertain significance for Cardiomyopathy. Last evaluated: 2016-11-17. Review status: criteria provided, single submitter. Criteria: ACMG Guidelines, 2015. Collection method: clinical testing. Allele origin: germline. Study: Canadian Open Genetics Repository. Not counted in ClinVar's aggregate classification.

Laboratory for Molecular Medicine, Mass General Brigham Personalized Medicine
Classification: Uncertain significance. Last evaluated: 2015-06-24. Review status: criteria provided, single submitter. Criteria: LMM Criteria. Collection method: clinical testing. Allele origin: germline. Observed: 4 variant alleles. Not counted in ClinVar's aggregate classification.
Comment: Variant classified as Uncertain Significance - Favor Pathogenic. The p.Arg1863Gl n variant in MYH7 has been reported in 1 individual with DCM (Hershberger 2008). This variant has been identified 1 /66706 European chromosomes by the Exome Aggregation Consortium (ExAC; dbSNP rs45520836), but this likely represents the sample reported by Hershberger 2008 as this study was part of the NHLBI sequencing proj ect and is now included in ExAC. Arginine (Arg) at position 1863 is highly conse rved in mammals and across evolutionarily distant species and the change to glut amine (Gln) was predicted to be pathogenic using a computational tool clinically validated by our laboratory. This tool's pathogenic prediction is estimated to be correct 94% of the time (Jordan 2011). In summary, while there is some suspic ion for a pathogenic role, the clinical significance of the p.Arg1863Gln variant is uncertain.

Literature cited by the submitters: PubMed 19412328 (cited by 5 submitters); PubMed 29300372 (cited by 3 submitters); PubMed 30847666 (cited by 3 submitters); PubMed 31983221 (cited by Ambry Genetics); PubMed 35629155 (cited by Ambry Genetics).